The following is an entry in ClinVar:

ClinVar aggregate classification (germline): Likely pathogenic (1 of 4 stars; one submission).

Conditions:
ALMS1-related disorder. Also called: ALMS1-related condition.

Submission:

PreventionGenetics, part of Exact Sciences
Classification: Likely pathogenic for ALMS1-related condition. Last evaluated: 2026-09-05. Review status: criteria provided, single submitter. Criteria: ACMG Guidelines, 2015. Collection method: clinical testing. Allele origin: germline.
Comment: The ALMS1 c.73delG variant is predicted to result in a frameshift and premature protein termination (p.Glu25Lysfs*16). To our knowledge, this variant has not been reported in the literature. This variant is reported in 0.013% of alleles in individuals of African descent in gnomAD. Frameshift variants in ALMS1 are expected to be pathogenic. This variant is interpreted as likely pathogenic.

NM_001378454.1(ALMS1):c.70del (p.Glu24fs)

Gene: ALMS1 (ALMS1 centrosome and basal body associated protein; plus strand). Cytogenetic location: 2p13.1.
Variant type: Deletion.
Coding change: c.70del on transcript NM_001378454.1 (MANE Select); coding-DNA position 70, one base deleted (G; older notation c.70delG).
Protein change: p.Glu24fs; shifts the reading frame from glutamic acid 24.
Molecular consequence: frameshift variant.
Genome position (GRCh38, 1-based): chr2:73,385,938, G deleted; the last of 2 consecutive G bases (chr2:73,385,937-73,385,938); deleting either gives the same sequence. VCF-style (leftmost placement, unchanged base first): chr2-73385936-AG-A. GRCh37 (hg19) VCF-style: chr2-73613064-AG-A.
Other names: c.73delG (NM_015120.4); c.73del, p.Glu25fs (NM_015120.4); short protein forms E24fs, E25fs.
Identifiers: ClinVar variation 4984535 (VCV004984535.1).
Genomic context (GRCh38, chr2:73,385,936, plus strand): 5'-CCGAGGATCTGCCATGGCCGGGCGAGCTGGAGGAGGAGGAGGAGGAGGAGGAGGAGGAGG[AG>A]GAGGAAGAGGAGGAGGCTGCAGCGGCGGCGGCGGCGAACGTGGACGACGTAGTGGTCGTG-3'